The following is an entry in ClinVar:

ClinVar aggregate classification (germline): Uncertain significance (1 of 4 stars; one submission).

Conditions:
Hereditary cancer-predisposing syndrome. Also called: Hereditary neoplastic syndrome; Hereditary Cancer Syndrome; Neoplastic Syndromes, Hereditary; Tumor predisposition. Identifiers: Orphanet 140162, MedGen C0027672, MeSH D009386, MONDO:0015356.

Allele frequency attached by ClinVar (database versions not stated): gnomAD exomes below 0.00001.
gnomAD v4.1: 1 of 1,613,456 alleles (0.000062%); highest among the groups gnomAD compares: Non-Finnish European, 0.000085%; no homozygotes.

Submission:

Ambry Genetics
Classification: Uncertain significance for Hereditary cancer-predisposing syndrome. Last evaluated: 2023-05-08. Review status: criteria provided, single submitter. Criteria: Ambry Variant Classification Scheme 2023. Collection method: clinical testing. Allele origin: germline.
Comment: The p.N803D variant (also known as c.2407A>G), located in coding exon 9 of the MET gene, results from an A to G substitution at nucleotide position 2407. The asparagine at codon 803 is replaced by aspartic acid, an amino acid with highly similar properties. This amino acid position is conserved. In addition, this alteration is predicted to be tolerated by in silico analysis. Since supporting evidence is limited at this time, the clinical significance of this alteration remains unclear.

NM_000245.4(MET):c.2353A>G (p.Asn785Asp)

Gene: MET (MET proto-oncogene, receptor tyrosine kinase; plus strand). Cytogenetic location: 7q31.2.
Variant type: single nucleotide variant.
Coding change: c.2353A>G on transcript NM_000245.4 (MANE Select); coding-DNA position 2353, A replaced by G.
Protein change: p.Asn785Asp; replaces asparagine 785 with aspartic acid.
Molecular consequence: missense variant.
Genome position (GRCh38, 1-based): chr7:116,759,479, A>G. VCF-style: chr7-116759479-A-G. GRCh37 (hg19) VCF-style: chr7-116399533-A-G.
Other names: c.2407A>G, p.Asn803Asp (NM_001127500.3); c.2353A>G, p.Asn785Asp (NM_001324401.3); c.1063A>G, p.Asn355Asp (NM_001324402.2); short protein forms N785D, N803D, N355D.
Identifiers: ClinVar variation 2567696 (VCV002567696.2), dbSNP rs2116939162, ClinGen allele CA368982540.